The following is an entry in ClinVar:

ClinVar aggregate classification (germline): Likely benign. Review status: criteria provided, multiple submitters, no conflicts (2 of 4 stars). 3 submissions from 3 submitters: Likely benign (3). Last evaluated 2025-11-24.

Allele frequency attached by ClinVar (database versions not stated): 1000 Genomes Project 0.00040; 1000 Genomes Project 30x 0.00047.
gnomAD v4.1: 2,007 of 1,613,728 alleles (0.12%); highest among the groups gnomAD compares: Middle Eastern, 2.3%; 7 homozygotes.

Submissions (3):

Labcorp Genetics (formerly Invitae), Labcorp
Classification: Likely benign. Last evaluated: 2025-11-24. Review status: criteria provided, single submitter. Criteria: Invitae Variant Classification Sherloc (09022015). Collection method: clinical testing. Allele origin: germline.

CeGaT Center for Human Genetics Tuebingen
Classification: Likely benign. Last evaluated: 2025-08-01. Review status: criteria provided, single submitter. Criteria: CeGaT Center For Human Genetics Tuebingen Variant Classification Criteria Version 2. Collection method: clinical testing. Allele origin: germline. Affected: yes. Observed: 1 variant allele.
Comment: APOA4: BP4, BS2

Breakthrough Genomics
Classification: Likely benign. Review status: criteria provided, single submitter. Criteria: ACMG Guidelines, 2015. Collection method: not provided. Allele origin: germline. Inheritance: Unknown mechanism. Affected: yes.

NM_000482.4(APOA4):c.1099A>G (p.Thr367Ala)

Gene: APOA4 (apolipoprotein A4; minus strand). Cytogenetic location: 11q23.3.
Variant type: single nucleotide variant.
Coding change: c.1099A>G on transcript NM_000482.4 (MANE Select); coding-DNA position 1099, A replaced by G.
Protein change: p.Thr367Ala; replaces threonine 367 with alanine.
Molecular consequence: missense variant.
Genome position (GRCh38, 1-based): chr11:116,820,959, T>C on the plus strand (A>G on the coding strand, the complement: APOA4 is on the minus strand). VCF-style: chr11-116820959-T-C. GRCh37 (hg19) VCF-style: chr11-116691675-T-C.
Other names: short protein forms T367A.
Identifiers: ClinVar variation 1669462 (VCV001669462.17), dbSNP rs675, ClinGen allele CA6289244.